The following is an entry in ClinVar:

ClinVar aggregate classification (germline): Uncertain significance (1 of 4 stars; one submission).

Conditions:
Inborn genetic diseases. Identifiers: MedGen C0950123, MeSH D030342.

gnomAD v4.1: 24 of 1,613,804 alleles (0.0015%); highest among the groups gnomAD compares: Non-Finnish European, 0.002%; no homozygotes.

Submission:

Ambry Genetics
Classification: Uncertain significance for Inborn genetic diseases. Last evaluated: 2025-03-31. Review status: criteria provided, single submitter. Criteria: Ambry Variant Classification Scheme 2023. Collection method: clinical testing. Allele origin: germline.
Comment: The p.S698G variant (also known as c.2092A>G), located in coding exon 18 of the KDM1A gene, results from an A to G substitution at nucleotide position 2092. The serine at codon 698 is replaced by glycine, an amino acid with similar properties. This amino acid position is conserved. In addition, the in silico prediction for this alteration is inconclusive. Based on the available evidence, the clinical significance of this variant remains unclear.

NM_001009999.3(KDM1A):c.2092A>G (p.Ser698Gly)

Gene: KDM1A (lysine demethylase 1A; plus strand). Cytogenetic location: 1p36.12.
Variant type: single nucleotide variant.
Coding change: c.2092A>G on transcript NM_001009999.3 (MANE Select); coding-DNA position 2092, A replaced by G.
Protein change: p.Ser698Gly; replaces serine 698 with glycine.
Molecular consequence: missense variant.
Genome position (GRCh38, 1-based): chr1:23,079,589, A>G. VCF-style: chr1-23079589-A-G. GRCh37 (hg19) VCF-style: chr1-23406082-A-G.
Other names: c.2038A>G, p.Ser680Gly (NM_001363654.2); c.2098A>G, p.Ser700Gly (NM_001410762.1); c.2020A>G, p.Ser674Gly (NM_001410763.1, NM_015013.4); short protein forms S700G, S674G, S680G, S698G.
Identifiers: ClinVar variation 4042074 (VCV004042074.1).